The following is an entry in ClinVar:

NM_003244.4(TGIF1):c.803C>A (p.Ala268Glu)

Gene: TGIF1 (TGFB induced factor homeobox 1; plus strand). Cytogenetic location: 18p11.31.
Variant type: single nucleotide variant.
Coding change: c.803C>A on transcript NM_003244.4 (MANE Select); coding-DNA position 803, C replaced by A.
Protein change: p.Ala268Glu; replaces alanine 268 with glutamic acid.
Molecular consequence: missense variant.
Genome position (GRCh38, 1-based): chr18:3,457,924, C>A. VCF-style: chr18-3457924-C-A. GRCh37 (hg19) VCF-style: chr18-3457922-C-A.
Other names: c.812C>A, p.Ala271Glu (NM_001278682.2); c.803C>A, p.Ala268Glu (NM_001278684.2, NM_173208.3); c.743C>A, p.Ala248Glu (NM_001278686.3, NM_001374396.1, NM_001374397.1 and 5 more transcripts); c.845C>A, p.Ala282Glu (NM_173207.4); short protein forms A248E, A268E, A271E, A282E.
Identifiers: ClinVar variation 1312063 (VCV001312063.3), dbSNP rs1015577459, ClinGen allele CA401724297.
Genomic context (GRCh38, chr18:3,457,924, plus strand): 5'-GTGGATTTCAGCTTCTAGTGGATGTTGCACTCAAACGGGCTGCAGAGATGGAGCTTCAGG[C>A]AAAACTTACAGCTTAACCCATTTTCAAGCAAAACAGTTCTCAGAAATGTCATGATTGCCG-3'
Protein context (NP_003235.1, residues 258-272): LKRAAEMELQ[Ala268Glu]KLTA

ClinVar aggregate classification (germline): Uncertain significance (1 of 4 stars; one submission).

Submission:

GeneDx
Classification: Uncertain significance. Last evaluated: 2026-01-14. Review status: criteria provided, single submitter. Criteria: GeneDx Variant Classification Process June 2021. Collection method: clinical testing. Allele origin: germline. Affected: yes.
Comment: Not observed at significant frequency in large population cohorts (gnomAD); In silico analysis suggests that this missense variant does not alter protein structure/function; Has not been previously published as pathogenic or benign to our knowledge